The following is an entry in ClinVar:

NM_006231.4(POLE):c.5887G>A (p.Glu1963Lys)

Gene: POLE (DNA polymerase epsilon, catalytic subunit; minus strand). Cytogenetic location: 12q24.33.
Variant type: single nucleotide variant.
Coding change: c.5887G>A on transcript NM_006231.4 (MANE Select); coding-DNA position 5887, G replaced by A.
Protein change: p.Glu1963Lys; replaces glutamic acid 1963 with lysine.
Molecular consequence: missense variant.
Genome position (GRCh38, 1-based): chr12:132,634,303, C>T on the plus strand (G>A on the coding strand, the complement: POLE is on the minus strand). VCF-style: chr12-132634303-C-T. GRCh37 (hg19) VCF-style: chr12-133210889-C-T.
Other names: c.5887G>A (NM_006231.2); short protein forms E1963K.
Identifiers: ClinVar variation 1043282 (VCV001043282.5), dbSNP rs762684038, ClinGen allele CA6892346.

ClinVar aggregate classification (germline): Uncertain significance. Review status: criteria provided, multiple submitters, no conflicts (2 of 4 stars). 2 submissions from 2 submitters: Uncertain significance (2). Last evaluated 2024-06-29.

Conditions:
Hereditary cancer-predisposing syndrome. Also called: Hereditary Cancer Syndrome; Tumor predisposition; Hereditary neoplastic syndrome; Neoplastic Syndromes, Hereditary. Identifiers: Orphanet 140162, MedGen C0027672, MeSH D009386, MONDO:0015356.

Allele frequency attached by ClinVar (database versions not stated): gnomAD exomes below 0.00001; ExAC 0.00001.
gnomAD v4.1: 1 of 1,614,214 alleles (0.000062%); no homozygotes.

Submissions (2):

Ambry Genetics
Classification: Uncertain significance for Hereditary cancer-predisposing syndrome. Last evaluated: 2024-06-29. Review status: criteria provided, single submitter. Criteria: Ambry Variant Classification Scheme 2023. Collection method: clinical testing. Allele origin: germline.
Comment: The p.E1963K variant (also known as c.5887G>A), located in coding exon 43 of the POLE gene, results from a G to A substitution at nucleotide position 5887. The glutamic acid at codon 1963 is replaced by lysine, an amino acid with similar properties. This amino acid position is conserved. In addition, this alteration is predicted to be tolerated by in silico analysis. Based on the available evidence, the clinical significance of this variant remains unclear.

Labcorp Genetics (formerly Invitae), Labcorp
Classification: Uncertain significance. Last evaluated: 2021-10-07. Review status: criteria provided, single submitter. Criteria: Invitae Variant Classification Sherloc (09022015). Collection method: clinical testing. Allele origin: germline.
Comment: This variant is present in population databases (rs762684038, ExAC 0.02%). This sequence change replaces glutamic acid with lysine at codon 1963 of the POLE protein (p.Glu1963Lys). The glutamic acid residue is weakly conserved and there is a small physicochemical difference between glutamic acid and lysine. This variant has not been reported in the literature in individuals affected with POLE-related conditions. In summary, the available evidence is currently insufficient to determine the role of this variant in disease. Therefore, it has been classified as a Variant of Uncertain Significance. Algorithms developed to predict the effect of missense changes on protein structure and function (SIFT, PolyPhen-2, Align-GVGD) all suggest that this variant is likely to be tolerated.